The following is an entry in ClinVar:

NM_017654.4(SAMD9):c.3212del (p.Leu1071fs)

Gene: SAMD9 (sterile alpha motif domain containing 9; minus strand). Cytogenetic location: 7q21.2.
Variant type: Deletion.
Coding change: c.3212del on transcript NM_017654.4 (MANE Select); coding-DNA position 3212, one base deleted (T; older notation c.3212delT).
Protein change: p.Leu1071fs; shifts the reading frame from leucine 1071.
Molecular consequence: frameshift variant.
Genome position (GRCh38, 1-based): chr7:93,102,886, A deleted on the plus strand (T on the coding strand, the reverse complement: SAMD9 is on the minus strand); the first of 2 consecutive A bases (chr7:93,102,886-93,102,887); deleting either gives the same sequence. VCF-style (leftmost placement, unchanged base first): chr7-93102885-CA-C. GRCh37 (hg19) VCF-style: chr7-92732198-CA-C.
Other names: c.3212del, p.Leu1071fs (NM_001193307.2); short protein forms L1071fs.
Identifiers: ClinVar variation 1495792 (VCV001495792.5), dbSNP rs1791559441, ClinGen allele CA1726199213.

ClinVar aggregate classification (germline): Uncertain significance (1 of 4 stars; one submission).

Submission:

Labcorp Genetics (formerly Invitae), Labcorp
Classification: Uncertain significance. Last evaluated: 2024-02-17. Review status: criteria provided, single submitter. Criteria: Invitae Variant Classification Sherloc (09022015). Collection method: clinical testing. Allele origin: germline.
Comment: This sequence change creates a premature translational stop signal (p.Leu1071Cysfs*33) in the SAMD9 gene. While this is not anticipated to result in nonsense mediated decay, it is expected to disrupt the last 519 amino acid(s) of the SAMD9 protein. This variant is not present in population databases (gnomAD no frequency). This variant has not been reported in the literature in individuals affected with SAMD9-related conditions. ClinVar contains an entry for this variant (Variation ID: 1495792). Experimental studies and prediction algorithms are not available or were not evaluated, and the functional significance of this variant is currently unknown. In summary, the available evidence is currently insufficient to determine the role of this variant in disease. Therefore, it has been classified as a Variant of Uncertain Significance.